The following is an entry in ClinVar:

ClinVar aggregate classification (germline): Benign/Likely benign. Review status: criteria provided, multiple submitters, no conflicts (2 of 4 stars). 2 submissions from 2 submitters: Benign (1); Likely benign (1). Last evaluated 2026-05-06.

Conditions:
Colorectal cancer, hereditary nonpolyposis, type 7. Identifiers: Orphanet 144, MedGen C1858380, MONDO:0013725, OMIM 614385.

Allele frequency attached by ClinVar (database versions not stated): gnomAD exomes below 0.00001.
gnomAD v4.1: 1 of 1,614,130 alleles (0.000062%); highest among the groups gnomAD compares: Admixed American, 0.0017%; no homozygotes.

Submissions (2):

Myriad Genetics, Inc.
Classification: Benign for Colorectal cancer, hereditary nonpolyposis, type 7. Last evaluated: 2026-05-06. Review status: criteria provided, single submitter. Criteria: Myriad Autosomal Dominant, Autosomal Recessive and X-Linked Classification Criteria (2023). Collection method: clinical testing. Allele origin: unknown.
Comment: This variant is considered benign. This variant is a silent/synonymous amino acid change and it is not expected to impact splicing.

Ambry Genetics
Classification: Likely benign. Last evaluated: 2022-09-25. Review status: criteria provided, single submitter. Criteria: Ambry Variant Classification Scheme 2023. Collection method: clinical testing. Allele origin: germline.

NM_001040108.2(MLH3):c.3420T>C (p.Ser1140=)

Gene: MLH3 (mutL homolog 3; minus strand). Cytogenetic location: 14q24.3.
Variant type: single nucleotide variant.
Coding change: c.3420T>C on transcript NM_001040108.2 (MANE Select); coding-DNA position 3420, T replaced by C.
Protein change: p.Ser1140=; no amino-acid change (serine 1140 retained).
Molecular consequence: synonymous variant.
Genome position (GRCh38, 1-based): chr14:75,041,660, A>G on the plus strand (T>C on the coding strand, the complement: MLH3 is on the minus strand). VCF-style: chr14-75041660-A-G. GRCh37 (hg19) VCF-style: chr14-75508363-A-G.
Other names: c.3420T>C, p.Ser1140= (NM_014381.3).
Identifiers: ClinVar variation 1731272 (VCV001731272.3), dbSNP rs1164302359, ClinGen allele CA487176739.